The following is an entry in ClinVar:

ClinVar aggregate classification (germline): Benign/Likely benign. Review status: criteria provided, multiple submitters, no conflicts (2 of 4 stars). 9 submissions from 9 submitters: Benign (4); Likely benign (5). Last evaluated 2026-01-09.

Conditions:
Kidney disorder. Also called: renal disease; Kidney disease; Kidney Diseases; Nephropathy; renal disorder. Identifiers: MedGen C0022658, MONDO:0005240, HP:0000112.
Nephronophthisis. Also called: Juvenile Nephronophthisis. Identifiers: Orphanet 655, MedGen C0687120, MONDO:0019005, HP:0000090.
Infantile nephronophthisis (NPHP2). Also called: Nephronophthisis 2; Nephronophthisis 2, infantile. Identifiers: Orphanet 655, Orphanet 93591, MedGen C1865872, MONDO:0011190, OMIM 602088.

Allele frequency attached by ClinVar (database versions not stated): 1000 Genomes Project 0.00160; TOPMed 0.00227; gnomAD 0.00378 and 0.00394; ExAC 0.00337; 1000 Genomes Project 30x 0.00156; ESP Exome Variant Server 0.00177; gnomAD exomes 0.00399 and 0.00428.

Submissions (9):

Labcorp Genetics (formerly Invitae), Labcorp
Classification: Benign for Nephronophthisis. Last evaluated: 2026-01-09. Review status: criteria provided, single submitter. Criteria: Invitae Variant Classification Sherloc (09022015). Collection method: clinical testing. Allele origin: germline.

Blueprint Genetics
Classification: Likely benign. Last evaluated: 2024-11-15. Review status: criteria provided, single submitter. Criteria: ACMG Guidelines, 2015. Collection method: clinical testing. Allele origin: germline.

CeGaT Center for Human Genetics Tuebingen
Classification: Likely benign. Last evaluated: 2024-07-01. Review status: criteria provided, single submitter. Criteria: CeGaT Center For Human Genetics Tuebingen Variant Classification Criteria Version 2. Collection method: clinical testing. Allele origin: germline. Affected: yes. Observed: 3 variant alleles.
Comment: INVS: BP4, BS2

Fulgent Genetics
Classification: Benign for Infantile nephronophthisis. Last evaluated: 2022-04-16. Review status: criteria provided, single submitter. Criteria: ACMG Guidelines, 2015. Collection method: clinical testing. Allele origin: unknown.

Mendelics
Classification: Benign for Infantile nephronophthisis. Last evaluated: 2019-05-28. Review status: criteria provided, single submitter. Criteria: Mendelics Assertion Criteria 2017. Collection method: clinical testing. Allele origin: unknown.

Illumina Laboratory Services, Illumina
Classification: Likely benign for Infantile nephronophthisis. Last evaluated: 2017-04-27. Review status: criteria provided, single submitter. Criteria: ICSL Variant Classification Criteria 13 December 2019. Collection method: clinical testing. Allele origin: germline.
Comment: This variant was observed as part of a predisposition screen in an ostensibly healthy population. A literature search was performed for the gene, cDNA change, and amino acid change (where applicable). Publications were found based on this search. The evidence from the literature, in combination with allele frequency data from public databases where available, was sufficient to determine this variant is unlikely to cause disease. Therefore, this variant is classified as likely benign.

Genome Diagnostics Laboratory, The Hospital for Sick Children
Classification: Likely benign for Kidney disorder. Last evaluated: 2016-12-12. Review status: criteria provided, single submitter. Criteria: ACMG Guidelines, 2015. Collection method: clinical testing. Allele origin: germline.

Eurofins Ntd Llc (ga)
Classification: Benign. Last evaluated: 2013-10-03. Review status: criteria provided, single submitter. Criteria: EGL Classification Definitions 2015. Collection method: clinical testing. Allele origin: germline. Observed: 2 variant alleles, 2 heterozygotes.

Breakthrough Genomics
Classification: Likely benign. Review status: criteria provided, single submitter. Criteria: ACMG Guidelines, 2015. Collection method: not provided. Allele origin: germline. Inheritance: Autosomal recessive inheritance. Affected: yes.

Literature cited by the submitters: PubMed 17855640 (cited by Illumina Laboratory Services, Illumina).

NM_014425.5(INVS):c.1948G>C (p.Ala650Pro)

Gene: INVS (inversin; plus strand). Cytogenetic location: 9q31.1.
Variant type: single nucleotide variant.
Coding change: c.1948G>C on transcript NM_014425.5 (MANE Select); coding-DNA position 1948, G replaced by C.
Protein change: p.Ala650Pro; replaces alanine 650 with proline.
Molecular consequence: missense variant. On other transcripts: non-coding transcript variant (1).
Genome position (GRCh38, 1-based): chr9:100,284,483, G>C. VCF-style: chr9-100284483-G-C. GRCh37 (hg19) VCF-style: chr9-103046765-G-C.
Other names: c.1660G>C, p.Ala554Pro (NM_001318381.2); c.970G>C, p.Ala324Pro (NM_001318382.2); short protein forms A650P, A324P, A554P.
Identifiers: ClinVar variation 95596 (VCV000095596.45), dbSNP rs147452898, ClinGen allele CA148639.